The following is an entry in ClinVar:

NM_002334.4(LRP4):c.1634G>A (p.Arg545Gln)

Gene: LRP4 (LDL receptor related protein 4; minus strand). Cytogenetic location: 11p11.2.
Variant type: single nucleotide variant.
Coding change: c.1634G>A on transcript NM_002334.4 (MANE Select); coding-DNA position 1634, G replaced by A.
Protein change: p.Arg545Gln; replaces arginine 545 with glutamine.
Molecular consequence: missense variant.
Genome position (GRCh38, 1-based): chr11:46,893,036, C>T on the plus strand (G>A on the coding strand, the complement: LRP4 is on the minus strand). VCF-style: chr11-46893036-C-T. GRCh37 (hg19) VCF-style: chr11-46914587-C-T.
Other names: c.1634G>A (NM_002334.3); short protein forms R545Q.
Identifiers: ClinVar variation 1929206 (VCV001929206.7), dbSNP rs1415827753, ClinGen allele CA380284257.

ClinVar aggregate classification (germline): Uncertain significance. Review status: criteria provided, multiple submitters, no conflicts (2 of 4 stars). 2 submissions from 2 submitters: Uncertain significance (2). Last evaluated 2023-08-21.

Conditions:
Inborn genetic diseases. Identifiers: MedGen C0950123, MeSH D030342.
Cenani-Lenz syndactyly syndrome. Also called: CENANI SYNDACTYLISM; SYNDACTYLY, TYPE VII. Identifiers: Orphanet 3258, MedGen C1859309, MONDO:0008931, OMIM 212780.
Congenital myasthenic syndrome 17. Identifiers: Orphanet 590, MedGen C4225377, MONDO:0014578, OMIM 616304.
Sclerosteosis 2 (SOST2). Identifiers: Orphanet 3152, MedGen C3280402, MONDO:0013679, OMIM 614305.

Allele frequency attached by ClinVar (database versions not stated): TOPMed below 0.00001; gnomAD exomes 0.00001.
gnomAD v4.1: 20 of 1,614,072 alleles (0.0012%); highest among the groups gnomAD compares: Non-Finnish European, 0.0016%; no homozygotes.

Submissions (2):

Ambry Genetics
Classification: Uncertain significance for Inborn genetic diseases. Last evaluated: 2023-08-21. Review status: criteria provided, single submitter. Criteria: Ambry Variant Classification Scheme 2023. Collection method: clinical testing. Allele origin: germline.

Labcorp Genetics (formerly Invitae), Labcorp
Classification: Uncertain significance for Cenani-Lenz syndactyly syndrome; Sclerosteosis 2; Congenital myasthenic syndrome 17. Last evaluated: 2022-07-30. Review status: criteria provided, single submitter. Criteria: Invitae Variant Classification Sherloc (09022015). Collection method: clinical testing. Allele origin: germline.
Comment: In summary, the available evidence is currently insufficient to determine the role of this variant in disease. Therefore, it has been classified as a Variant of Uncertain Significance. Algorithms developed to predict the effect of missense changes on protein structure and function (SIFT, PolyPhen-2, Align-GVGD) all suggest that this variant is likely to be disruptive. This variant has not been reported in the literature in individuals affected with LRP4-related conditions. This variant is not present in population databases (gnomAD no frequency). This sequence change replaces arginine, which is basic and polar, with glutamine, which is neutral and polar, at codon 545 of the LRP4 protein (p.Arg545Gln).